The following is an entry in ClinVar:

ClinVar aggregate classification (germline): Uncertain significance (1 of 4 stars; one submission).

Allele frequency attached by ClinVar (database versions not stated): gnomAD exomes 0.00003 and 0.00005; gnomAD 0.00005; TOPMed 0.00008.
gnomAD v4.1: 23 of 1,613,862 alleles (0.0014%); highest among the groups gnomAD compares: Admixed American, 0.037%; no homozygotes.

Submission:

Labcorp Genetics (formerly Invitae), Labcorp
Classification: Uncertain significance. Last evaluated: 2022-06-22. Review status: criteria provided, single submitter. Criteria: Invitae Variant Classification Sherloc (09022015). Collection method: clinical testing. Allele origin: germline.
Comment: In summary, the available evidence is currently insufficient to determine the role of this variant in disease. Therefore, it has been classified as a Variant of Uncertain Significance. Algorithms developed to predict the effect of missense changes on protein structure and function output the following: SIFT: "Tolerated"; PolyPhen-2: "Not Available"; Align-GVGD: "Class C0". The glutamic acid amino acid residue is found in multiple mammalian species, which suggests that this missense change does not adversely affect protein function. This variant has not been reported in the literature in individuals affected with PCLO-related conditions. This variant is present in population databases (no rsID available, gnomAD 0.04%). This sequence change replaces lysine, which is basic and polar, with glutamic acid, which is acidic and polar, at codon 731 of the PCLO protein (p.Lys731Glu).

NM_033026.6(PCLO):c.2191A>G (p.Lys731Glu)

Gene: PCLO (piccolo presynaptic cytomatrix protein; minus strand). Cytogenetic location: 7q21.11.
Variant type: single nucleotide variant.
Coding change: c.2191A>G on transcript NM_033026.6 (MANE Select); coding-DNA position 2191, A replaced by G.
Protein change: p.Lys731Glu; replaces lysine 731 with glutamic acid.
Molecular consequence: missense variant.
Genome position (GRCh38, 1-based): chr7:83,135,359, T>C on the plus strand (A>G on the coding strand, the complement: PCLO is on the minus strand). VCF-style: chr7-83135359-T-C. GRCh37 (hg19) VCF-style: chr7-82764675-T-C.
Other names: c.2191A>G, p.Lys731Glu (NM_014510.3); short protein forms K731E.
Identifiers: ClinVar variation 1367045 (VCV001367045.4), dbSNP rs1448767949, ClinGen allele CA367904031.